The following is an entry in ClinVar:

ClinVar aggregate classification (germline): Uncertain significance (1 of 4 stars; one submission).

Submission:

Labcorp Genetics (formerly Invitae), Labcorp
Classification: Uncertain significance. Last evaluated: 2023-11-29. Review status: criteria provided, single submitter. Criteria: Invitae Variant Classification Sherloc (09022015). Collection method: clinical testing. Allele origin: germline.
Comment: This sequence change replaces proline, which is neutral and non-polar, with serine, which is neutral and polar, at codon 595 of the AUTS2 protein (p.Pro595Ser). This variant is not present in population databases (gnomAD no frequency). This variant has not been reported in the literature in individuals affected with AUTS2-related conditions. Advanced modeling of protein sequence and biophysical properties (such as structural, functional, and spatial information, amino acid conservation, physicochemical variation, residue mobility, and thermodynamic stability) has been performed at Invitae for this missense variant, however the output from this modeling did not meet the statistical confidence thresholds required to predict the impact of this variant on AUTS2 protein function. In summary, the available evidence is currently insufficient to determine the role of this variant in disease. Therefore, it has been classified as a Variant of Uncertain Significance.

NM_015570.4(AUTS2):c.1783C>T (p.Pro595Ser)

Gene: AUTS2 (activator of transcription and developmental regulator AUTS2; plus strand). Cytogenetic location: 7q11.22.
Variant type: single nucleotide variant.
Coding change: c.1783C>T on transcript NM_015570.4 (MANE Select); coding-DNA position 1783, C replaced by T.
Protein change: p.Pro595Ser; replaces proline 595 with serine.
Molecular consequence: missense variant.
Genome position (GRCh38, 1-based): chr7:70,771,597, C>T. VCF-style: chr7-70771597-C-T. GRCh37 (hg19) VCF-style: chr7-70236583-C-T.
Other names: c.1783C>T, p.Pro595Ser (NM_001127231.3); short protein forms P595S.
Identifiers: ClinVar variation 3014544 (VCV003014544.3), dbSNP rs1790345082, ClinGen allele CA367669353.